The following is an entry in ClinVar:

ClinVar aggregate classification (germline): Uncertain significance. Review status: criteria provided, multiple submitters, no conflicts (2 of 4 stars). 3 submissions from 3 submitters: Uncertain significance (3). Last evaluated 2025-10-01.

Conditions:
Fanconi anemia (FA). Also called: Fanconi's anemia. Identifiers: Orphanet 84, MedGen C0015625, MeSH D005199, MONDO:0019391.
Fanconi anemia complementation group P. Also called: SLX4-Related Fanconi Anemia. Identifiers: Orphanet 84, MedGen C3469542, MONDO:0013499, OMIM 613951.

Allele frequency attached by ClinVar (database versions not stated): gnomAD exomes 0.00001 and 0.00003; ExAC 0.00002.
gnomAD v4.1: 22 of 1,613,436 alleles (0.0014%); highest among the groups gnomAD compares: Admixed American, 0.01%; no homozygotes.

Submissions (3):

Labcorp Genetics (formerly Invitae), Labcorp
Classification: Uncertain significance for Fanconi anemia. Last evaluated: 2025-10-01. Review status: criteria provided, single submitter. Criteria: Invitae Variant Classification Sherloc (09022015). Collection method: clinical testing. Allele origin: germline.
Comment: This sequence change replaces proline, which is neutral and non-polar, with serine, which is neutral and polar, at codon 1040 of the SLX4 protein (p.Pro1040Ser). This variant is present in population databases (rs201359490, gnomAD 0.01%). This variant has not been reported in the literature in individuals affected with SLX4-related conditions. ClinVar contains an entry for this variant (Variation ID: 319158). An algorithm developed to predict the effect of missense changes on protein structure and function outputs the following: PolyPhen-2: "Benign". The serine amino acid residue is found in multiple mammalian species, which suggests that this missense change does not adversely affect protein function. In summary, the available evidence is currently insufficient to determine the role of this variant in disease. Therefore, it has been classified as a Variant of Uncertain Significance.

Fulgent Genetics
Classification: Uncertain significance for Fanconi anemia complementation group P. Last evaluated: 2022-02-04. Review status: criteria provided, single submitter. Criteria: ACMG Guidelines, 2015. Collection method: clinical testing. Allele origin: unknown.

Illumina Laboratory Services, Illumina
Classification: Uncertain significance for Fanconi anemia complementation group P. Last evaluated: 2018-01-12. Review status: criteria provided, single submitter. Criteria: ICSL Variant Classification Criteria 13 December 2019. Collection method: clinical testing. Allele origin: germline.

NM_032444.4(SLX4):c.3118C>T (p.Pro1040Ser)

Gene: SLX4 (SLX4 structure-specific endonuclease subunit; minus strand). Cytogenetic location: 16p13.3.
Variant type: single nucleotide variant.
Coding change: c.3118C>T on transcript NM_032444.4 (MANE Select); coding-DNA position 3118, C replaced by T.
Protein change: p.Pro1040Ser; replaces proline 1040 with serine.
Molecular consequence: missense variant.
Genome position (GRCh38, 1-based): chr16:3,590,520, G>A on the plus strand (C>T on the coding strand, the complement: SLX4 is on the minus strand). VCF-style: chr16-3590520-G-A. GRCh37 (hg19) VCF-style: chr16-3640521-G-A.
Other names: c.3118C>T (LRG_503t1); short protein forms P1040S.
Identifiers: ClinVar variation 319158 (VCV000319158.10), dbSNP rs201359490, ClinGen allele CA7865989.